The following is an entry in ClinVar:

ClinVar aggregate classification (germline): Likely benign (1 of 4 stars; one submission).

Submission:

GeneDx
Classification: Likely benign. Last evaluated: 2018-06-14. Review status: criteria provided, single submitter. Criteria: GeneDx Variant Classification (06012015). Collection method: clinical testing. Allele origin: germline. Affected: yes.
Comment: This variant is considered likely benign or benign based on one or more of the following criteria: it is a conservative change, it occurs at a poorly conserved position in the protein, it is predicted to be benign by multiple in silico algorithms, and/or has population frequency not consistent with disease.

NM_172107.4(KCNQ2):c.691-31_691-29del

Gene: KCNQ2 (potassium voltage-gated channel subfamily Q member 2; minus strand). Cytogenetic location: 20q13.33.
Variant type: Microsatellite.
Coding change: c.691-31_691-29del on transcript NM_172107.4 (MANE Select); 31 bases into the intron before coding-DNA position 691 through 29 bases into the intron before coding-DNA position 691, 3 bases deleted (GGT; older notation c.691-31_691-29delGGT).
Molecular consequence: intron variant.
Genome position (GRCh38, 1-based): chr20:63,442,560-63,442,562, ACC deleted on the plus strand (GGT on the coding strand, the reverse complement: KCNQ2 is on the minus strand); deleting any 3 consecutive bases within chr20:63,442,560-63,442,566 gives the same sequence; the c. name uses the placement nearest the transcript's 3' end. VCF-style (leftmost placement, unchanged base first): chr20-63442559-GACC-G. GRCh37 (hg19) VCF-style: chr20-62073912-GACC-G.
Other names: c.691-31_691-29del (NM_004518.6, NM_172108.5, NM_172106.3 and 2 more transcripts).
Identifiers: ClinVar variation 673415 (VCV000673415.1), dbSNP rs374464103, ClinGen allele CA9958752.